The following is an entry in ClinVar:

NM_001018005.2(TPM1):c.214G>A (p.Glu72Lys)

Gene: TPM1 (tropomyosin 1; plus strand). Cytogenetic location: 15q22.2.
Variant type: single nucleotide variant.
Coding change: c.214G>A on transcript NM_001018005.2 (MANE Select); coding-DNA position 214, G replaced by A.
Protein change: p.Glu72Lys; replaces glutamic acid 72 with lysine.
Molecular consequence: missense variant. On other transcripts: intron variant (3).
Genome position (GRCh38, 1-based): chr15:63,044,126, G>A. VCF-style: chr15-63044126-G-A. GRCh37 (hg19) VCF-style: chr15-63336325-G-A.
Other names: c.214G>A, p.Glu72Lys (NM_000366.6, NM_001018004.2, NM_001018006.2 and 3 more transcripts); c.340G>A, p.Glu114Lys (NM_001365778.1); c.240+295G>A (NM_001018020.2, NM_001018007.2, NM_001301244.2); short protein forms E72K, E114K.
Identifiers: ClinVar variation 626550 (VCV000626550.8), dbSNP rs1566937844, ClinGen allele CA392718693.

ClinVar aggregate classification (germline): Uncertain significance. Review status: criteria provided, multiple submitters, no conflicts (2 of 4 stars). 3 submissions from 3 submitters: Uncertain significance (3). Last evaluated 2025-12-15.

Conditions:
Hypertrophic cardiomyopathy. Also called: HYPERTROPHIC MYOCARDIOPATHY. Identifiers: Orphanet 217569, MedGen C0007194, MeSH D002312, MONDO:0005045, HP:0001639.
Cardiomyopathy (CMYO). Also called: Cardiomyopathies. Identifiers: Orphanet 167848, MedGen C0878544, MONDO:0004994, HP:0001638. Inheritance: Various modes of inheritance.

Submissions (3):

Labcorp Genetics (formerly Invitae), Labcorp
Classification: Uncertain significance for Hypertrophic cardiomyopathy. Last evaluated: 2025-12-15. Review status: criteria provided, single submitter. Criteria: Invitae Variant Classification Sherloc (09022015). Collection method: clinical testing. Allele origin: germline.
Comment: This sequence change replaces glutamic acid, which is acidic and polar, with lysine, which is basic and polar, at codon 72 of the TPM1 protein (p.Glu72Lys). This variant is not present in population databases (gnomAD no frequency). This variant has not been reported in the literature in individuals affected with TPM1-related conditions. ClinVar contains an entry for this variant (Variation ID: 626550). An algorithm developed to predict the effect of missense changes on protein structure and function (PolyPhen-2) suggests that this variant is likely to be tolerated. In summary, the available evidence is currently insufficient to determine the role of this variant in disease. Therefore, it has been classified as a Variant of Uncertain Significance.

Blueprint Genetics
Classification: Uncertain significance. Last evaluated: 2022-10-03. Review status: criteria provided, single submitter. Criteria: ACMG Guidelines, 2015. Collection method: clinical testing. Allele origin: germline.

CHEO Genetics Diagnostic Laboratory, Children's Hospital of Eastern Ontario
Classification: Uncertain significance for Cardiomyopathy. Last evaluated: 2017-02-28. Review status: criteria provided, single submitter. Criteria: ACMG Guidelines, 2015. Collection method: clinical testing. Allele origin: germline. Study: Canadian Open Genetics Repository.